The following is an entry in ClinVar:

NM_000138.5(FBN1):c.2861G>A (p.Arg954His)

Gene: FBN1 (fibrillin 1; minus strand). Cytogenetic location: 15q21.1.
Variant type: single nucleotide variant.
Coding change: c.2861G>A on transcript NM_000138.5 (MANE Select); coding-DNA position 2861, G replaced by A.
Protein change: p.Arg954His; replaces arginine 954 with histidine.
Molecular consequence: missense variant.
Genome position (GRCh38, 1-based): chr15:48,490,072, C>T on the plus strand (G>A on the coding strand, the complement: FBN1 is on the minus strand). VCF-style: chr15-48490072-C-T. GRCh37 (hg19) VCF-style: chr15-48782269-C-T.
Other names: p.R954H:CGC>CAC; short protein forms R954H.
Identifiers: ClinVar variation 200005 (VCV000200005.33), dbSNP rs112911555, ClinGen allele CA013484.

ClinVar aggregate classification (germline): Conflicting classifications of pathogenicity. Review status: criteria provided, conflicting classifications (1 of 4 stars). 7 submissions from 7 submitters: Pathogenic (2); Likely pathogenic (3); Uncertain significance (1). 1 of the submissions does not count toward it. Last evaluated 2026-06-01.

Conditions:
Marfan Syndrome/Loeys-Dietz Syndrome/Familial Thoracic Aortic Aneurysms and Dissections. Identifiers: MedGen CN229799.
Familial thoracic aortic aneurysm and aortic dissection (TAAD). Also called: Thoracic aortic aneurysms and dissections. Identifiers: Orphanet 91387, MedGen C4707243, MONDO:0019625.
Marfan syndrome (MFS). Also called: Marfan syndrome type 1; Marfan's syndrome; Marfan syndrome, classic; MARFAN SYNDROME, TYPE I; FBN1-Related Marfan Syndrome. Identifiers: Orphanet 284963, Orphanet 558, MedGen C0024796, MONDO:0007947, OMIM 154700.

Allele frequency attached by ClinVar (database versions not stated): gnomAD exomes below 0.00001; TOPMed below 0.00001.
gnomAD v4.1: 4 of 1,614,076 alleles (0.00025%); highest among the groups gnomAD compares: Admixed American, 0.0017%; no homozygotes.

Submissions (7):

CeGaT Center for Human Genetics Tuebingen
Classification: Likely pathogenic. Last evaluated: 2026-06-01. Review status: criteria provided, single submitter. Criteria: CeGaT Center For Human Genetics Tuebingen Variant Classification Criteria Version 2. Collection method: clinical testing. Allele origin: germline. Affected: yes. Observed: 2 variant alleles.
Comment: FBN1: PM2, PM5, PS4:Moderate

Ambry Genetics
Classification: Likely pathogenic for Familial thoracic aortic aneurysm and aortic dissection. Last evaluated: 2025-12-05. Review status: criteria provided, single submitter. Criteria: Ambry Variant Classification Scheme 2023. Collection method: clinical testing. Allele origin: germline.
Comment: The p.R954H variant (also known as c.2861G>A), located in coding exon 24 of the FBN1 gene, results from a G to A substitution at nucleotide position 2861. The arginine at codon 954 is replaced by histidine, an amino acid with highly similar properties. This variant has been identified in individuals with features consistent with Marfan syndrome and related fibrillinopathies; in at least one individual, the variant was identified in the homozygous state (S&ouml;ylen B et al. Clin Genet, 2009 Mar;75:265-70; Nayak SS et al. Sci Rep, 2021 Jan;11:764; Ambry internal data, external communication). This amino acid position is highly conserved in available vertebrate species. In addition, this alteration is predicted to be deleterious by in silico analysis. Based on the majority of available evidence to date, this variant is likely to be pathogenic.

Women's Health and Genetics/Laboratory Corporation of America, LabCorp
Classification: Pathogenic for Marfan Syndrome/Loeys-Dietz Syndrome/Familial Thoracic Aortic Aneurysms and Dissections. Last evaluated: 2025-12-04. Review status: criteria provided, single submitter. Criteria: LabCorp Variant Classification Summary - May 2015. Collection method: clinical testing. Allele origin: germline.
Comment: Variant summary: FBN1 c.2861G>A (p.Arg954His) results in a non-conservative amino acid change in the encoded protein sequence. Algorithms developed to predict the effect of missense changes on protein structure and function all suggest that this variant is likely to be disruptive. The variant allele was found at a frequency of 4e-06 in 251154 control chromosomes. c.2861G>A has been observed in multiple heterozygous individuals affected with Marfan Syndrome, as well as one homozygous individual (Soylen_2009, Nayak_2021, Fuentevilla-Alvarez_2024, internal data). These data indicate that the variant is very likely to be associated with disease. A different variant affecting the same codon has been classified as pathogenic by our lab (c.2860C>T, p.Arg954Cys), supporting the critical relevance of codon 954 to FBN1 protein function. To our knowledge, no experimental evidence demonstrating an impact on protein function has been reported. The following publications have been ascertained in the context of this evaluation (PMID: 37688493, 33436942, 19159394). ClinVar contains an entry for this variant (Variation ID: 200005). Based on the evidence outlined above, the variant was classified as pathogenic.

Labcorp Genetics (formerly Invitae), Labcorp
Classification: Pathogenic for Marfan syndrome; Familial thoracic aortic aneurysm and aortic dissection. Last evaluated: 2025-07-01. Review status: criteria provided, single submitter. Criteria: Invitae Variant Classification Sherloc (09022015). Collection method: clinical testing. Allele origin: germline.
Comment: This sequence change replaces arginine, which is basic and polar, with histidine, which is basic and polar, at codon 954 of the FBN1 protein (p.Arg954His). The frequency data for this variant in the population databases is considered unreliable, as metrics indicate poor data quality at this position in the gnomAD database. This missense change has been observed in individuals with clinical features of Marfan syndrome in the heterozygous and homozygous state (PMID: 19159394, 33436942; internal data). ClinVar contains an entry for this variant (Variation ID: 200005). Invitae Evidence Modeling of protein sequence and biophysical properties (such as structural, functional, and spatial information, amino acid conservation, physicochemical variation, residue mobility, and thermodynamic stability) indicates that this missense variant is expected to disrupt FBN1 protein function with a positive predictive value of 95%. This variant disrupts the p.Arg954 amino acid residue in FBN1. Other variant(s) that disrupt this residue have been determined to be pathogenic (internal data). This suggests that this residue is clinically significant, and that variants that disrupt this residue are likely to be disease-causing. For these reasons, this variant has been classified as Pathogenic.

GeneDx
Classification: Uncertain significance. Last evaluated: 2025-04-16. Review status: criteria provided, single submitter. Criteria: GeneDx Variant Classification Process June 2021. Collection method: clinical testing. Allele origin: germline. Affected: yes.
Comment: Identified in an adult with skeletal and ocular features of Marfan syndrome without cardiac involvement (PMID: 19159394); Not observed at significant frequency in large population cohorts (gnomAD); In silico analysis supports that this missense variant has a deleterious effect on protein structure/function; Does not affect a cysteine or calcium-binding residue within an EGF-like domain or a TGF-binding protein domain of the FBN1 gene; cysteine substitutions in the EGF-like domains represent the majority of pathogenic missense changes associated with FBN1-related disorders (PMID: 12938084); This variant is associated with the following publications: (PMID: 12938084, 19159394, 33436942)

Color Diagnostics, LLC DBA Color Health
Classification: Likely pathogenic for Familial thoracic aortic aneurysm and aortic dissection. Last evaluated: 2022-09-22. Review status: criteria provided, single submitter. Criteria: ACMG Guidelines, 2015. Collection method: clinical testing. Allele origin: germline.
Comment: This missense variant replaces arginine with histidine at codon 954 of the FBN1 protein. Computational prediction suggests that this variant may have deleterious impact on protein structure and function (internally defined REVEL score threshold >= 0.7, PMID: 27666373). Splice site prediction tools suggest that this variant may not impact RNA splicing. To our knowledge, functional studies have not been performed for this variant. This variant has been reported in four individuals affected with Marfan syndrome (PMID: 12938084, 19159394, 33436942). One of the probands was homozygote and the parents were heterozygous carriers with limited clinical information available. This variant has also been reported in an individual with a history of aortic dissection (communication with an external laboratory; ClinVar SCV000263899.2). This variant has been identified in 1/251154 chromosomes in the general population by the Genome Aggregation Database (gnomAD). A different missense variant occurring at the same codon, p.Arg954Cys, is known to be pathogenic (Clinvar variation ID 495582), indicating that arginine at this position is important for FBN1 protein function. Based on the available evidence, this variant is classified as Likely Pathogenic.

Center for Medical Genetics Ghent, University of Ghent
Classification: Likely pathogenic for Marfan syndrome. Last evaluated: 2017-11-07. Review status: no assertion criteria provided. Collection method: clinical testing. Allele origin: germline. Affected: yes. Not counted in ClinVar's aggregate classification.

Literature cited by the submitters: PubMed 19159394 (cited by 4 submitters); PubMed 33436942 (cited by 4 submitters); PubMed 37688493 (cited by Women's Health and Genetics/Laboratory Corporation of America, LabCorp); PubMed 12938084 (cited by Color Diagnostics, LLC DBA Color Health).